The following is an entry in ClinVar:

NM_005359.6(SMAD4):c.247C>T (p.Gln83Ter)

Gene: SMAD4 (SMAD family member 4; plus strand). Cytogenetic location: 18q21.2.
Variant type: single nucleotide variant.
Coding change: c.247C>T on transcript NM_005359.6 (MANE Select); coding-DNA position 247, C replaced by T.
Protein change: p.Gln83Ter; replaces glutamine 83 with a stop codon.
Molecular consequence: nonsense.
Genome position (GRCh38, 1-based): chr18:51,047,293, C>T. VCF-style: chr18-51047293-C-T. GRCh37 (hg19) VCF-style: chr18-48573663-C-T.
Other names: short protein forms Q83*.
Identifiers: ClinVar variation 648055 (VCV000648055.8), dbSNP rs1599181251, ClinGen allele CA402458145.

ClinVar aggregate classification (germline): Pathogenic (1 of 4 stars; one submission).

Conditions:
Juvenile polyposis syndrome (JPS). Identifiers: Orphanet 2929, MedGen C0345893, MONDO:0017380, OMIM 174900.

Submission:

Labcorp Genetics (formerly Invitae), Labcorp
Classification: Pathogenic for Juvenile polyposis syndrome. Last evaluated: 2022-01-07. Review status: criteria provided, single submitter. Criteria: Invitae Variant Classification Sherloc (09022015). Collection method: clinical testing. Allele origin: germline.
Comment: ClinVar contains an entry for this variant (Variation ID: 648055). For these reasons, this variant has been classified as Pathogenic. This variant has not been reported in the literature in individuals affected with SMAD4-related conditions. This sequence change creates a premature translational stop signal (p.Gln83*) in the SMAD4 gene. It is expected to result in an absent or disrupted protein product. Loss-of-function variants in SMAD4 are known to be pathogenic (PMID: 16152648, 16436638, 22810475). This variant is not present in population databases (gnomAD no frequency).

Literature cited by the submitters: PubMed 16152648; PubMed 16436638; PubMed 22810475.